The following is an entry in ClinVar:

NM_018419.3(SOX18):c.390G>C (p.Glu130Asp)

Gene: SOX18 (SRY-box transcription factor 18; minus strand). Cytogenetic location: 20q13.33.
Variant type: single nucleotide variant.
Coding change: c.390G>C on transcript NM_018419.3 (MANE Select); coding-DNA position 390, G replaced by C.
Protein change: p.Glu130Asp; replaces glutamic acid 130 with aspartic acid.
Molecular consequence: missense variant.
Genome position (GRCh38, 1-based): chr20:64,048,931, C>G on the plus strand (G>C on the coding strand, the complement: SOX18 is on the minus strand). VCF-style: chr20-64048931-C-G. GRCh37 (hg19) VCF-style: chr20-62680284-C-G.
Other names: short protein forms E130D.
Identifiers: ClinVar variation 3720170 (VCV003720170.2).
Genomic context (GRCh38, chr20:64,048,931, plus strand): 5'-GGGGTGGTCGCGCAAGTGCTGCACGCGCAGCCGTTCGGCTTCCTCCACGAAGGGCCGCTT[C>G]TCCGCCGCGTTCAGCTCCTTCCACGCTTTGCCTGCGGGCCGTGGGCGCCAGTGAGTGGAA-3'
Protein context (NP_060889.1, residues 120-140): GKAWKELNAA[Glu130Asp]KRPFVEEAER

ClinVar aggregate classification (germline): Uncertain significance (1 of 4 stars; one submission).

Submission:

Labcorp Genetics (formerly Invitae), Labcorp
Classification: Uncertain significance. Last evaluated: 2024-12-31. Review status: criteria provided, single submitter. Criteria: Invitae Variant Classification Sherloc (09022015). Collection method: clinical testing. Allele origin: germline.
Comment: This sequence change replaces glutamic acid, which is acidic and polar, with aspartic acid, which is acidic and polar, at codon 130 of the SOX18 protein (p.Glu130Asp). This variant is not present in population databases (gnomAD no frequency). This variant has not been reported in the literature in individuals affected with SOX18-related conditions. Invitae Evidence Modeling of protein sequence and biophysical properties (such as structural, functional, and spatial information, amino acid conservation, physicochemical variation, residue mobility, and thermodynamic stability) indicates that this missense variant is not expected to disrupt SOX18 protein function with a negative predictive value of 80%. In summary, the available evidence is currently insufficient to determine the role of this variant in disease. Therefore, it has been classified as a Variant of Uncertain Significance.